The following is an entry in ClinVar:

ClinVar aggregate classification (germline): Likely benign (0 of 4 stars; one submission).

Conditions:
BHLHE41-related disorder. Also called: BHLHE41-related condition.

Submission:

PreventionGenetics, part of Exact Sciences
Classification: Likely benign for BHLHE41-related condition. Last evaluated: 2020-06-22. Review status: no assertion criteria provided. Collection method: clinical testing. Allele origin: germline.
Comment: This variant is classified as likely benign based on ACMG/AMP sequence variant interpretation guidelines (Richards et al. 2015 PMID: 25741868, with internal and published modifications).

NM_030762.3(BHLHE41):c.1323T>A (p.Leu441=)

Genes: BHLHE41 (basic helix-loop-helix family member e41; minus strand), SSPN (sarcospan; plus strand). Cytogenetic location: 12p12.1.
Variant type: single nucleotide variant.
Coding change: c.1323T>A on transcript NM_030762.3 (MANE Select); coding-DNA position 1323, T replaced by A.
Protein change: p.Leu441=; no amino-acid change (leucine 441 retained).
Molecular consequence: synonymous variant.
Genome position (GRCh38, 1-based): chr12:26,122,192, A>T on the plus strand (T>A on the coding strand, the complement: BHLHE41 is on the minus strand). VCF-style: chr12-26122192-A-T. GRCh37 (hg19) VCF-style: chr12-26275125-A-T.
Identifiers: ClinVar variation 3041662 (VCV003041662.2), dbSNP rs1305735180, ClinGen allele CA479108069.